The following is an entry in ClinVar:

ClinVar aggregate classification (germline): Uncertain significance (1 of 4 stars; one submission).

Submission:

GeneDx
Classification: Uncertain significance. Last evaluated: 2025-01-23. Review status: criteria provided, single submitter. Criteria: GeneDx Variant Classification Process June 2021. Collection method: clinical testing. Allele origin: germline. Affected: yes.
Comment: Not observed at significant frequency in large population cohorts (gnomAD); In silico analysis supports that this missense variant has a deleterious effect on protein structure/function; Has not been previously published as pathogenic or benign to our knowledge

NM_213622.4(STAMBP):c.41G>T (p.Arg14Leu)

Genes: STAMBP (STAM binding protein; plus strand), LOC126806253 (CDK7 strongly-dependent group 2 enhancer GRCh37_chr2:74057585-74058784; plus strand). Cytogenetic location: 2p13.1.
Variant type: single nucleotide variant.
Coding change: c.41G>T on transcript NM_213622.4 (MANE Select); coding-DNA position 41, G replaced by T.
Protein change: p.Arg14Leu; replaces arginine 14 with leucine.
Molecular consequence: missense variant. On other transcripts: 5 prime UTR variant (5), non-coding transcript variant (4), intron variant (1).
Genome position (GRCh38, 1-based): chr2:73,830,897, G>T. VCF-style: chr2-73830897-G-T. GRCh37 (hg19) VCF-style: chr2-74058024-G-T.
Other names: c.41G>T, p.Arg14Leu (NM_001353967.2, NM_001353968.2, NM_001353969.2 and 3 more transcripts); c.-513G>T (NM_001353971.2, NM_001353973.2, NM_001353974.2 and 2 more transcripts); c.-203+1901G>T (NM_001353972.2); short protein forms R14L.
Identifiers: ClinVar variation 4071625 (VCV004071625.1).